The following is an entry in ClinVar:

ClinVar aggregate classification (germline): Uncertain significance. Review status: criteria provided, multiple submitters, no conflicts (2 of 4 stars). 3 submissions from 3 submitters: Uncertain significance (3). Last evaluated 2024-11-28.

Conditions:
Deficiency of adenosine deaminase 2. Also called: Polyarteritis nodosa, childhoood-onset; Adenosine Deaminase 2 Deficiency; VASCULITIS, AUTOINFLAMMATION, IMMUNODEFICIENCY, AND HEMATOLOGIC DEFECTS SYNDROME. Identifiers: Orphanet 404553, MedGen C3887654, MONDO:0014306, OMIM 615688, MONDO:0100317.

Allele frequency attached by ClinVar (database versions not stated): gnomAD exomes 0.00002; TOPMed 0.00001; ExAC 0.00002.
gnomAD v4.1: 87 of 1,611,508 alleles (0.0054%); highest among the groups gnomAD compares: Middle Eastern, 0.017%; no homozygotes.

Submissions (3):

Blueprint Genetics
Classification: Uncertain significance. Last evaluated: 2024-11-28. Review status: criteria provided, single submitter. Criteria: ACMG Guidelines, 2015. Collection method: clinical testing. Allele origin: germline.

CeGaT Center for Human Genetics Tuebingen
Classification: Uncertain significance. Last evaluated: 2024-08-01. Review status: criteria provided, single submitter. Criteria: CeGaT Center For Human Genetics Tuebingen Variant Classification Criteria Version 2. Collection method: clinical testing. Allele origin: germline. Affected: yes. Observed: 1 variant allele.
Comment: ADA2: PM2, BP4

Labcorp Genetics (formerly Invitae), Labcorp
Classification: Uncertain significance for Deficiency of adenosine deaminase 2. Last evaluated: 2022-07-30. Review status: criteria provided, single submitter. Criteria: Invitae Variant Classification Sherloc (09022015). Collection method: clinical testing. Allele origin: germline.
Comment: This sequence change replaces threonine, which is neutral and polar, with isoleucine, which is neutral and non-polar, at codon 120 of the ADA2 protein (p.Thr120Ile). This variant is present in population databases (rs755786336, gnomAD 0.003%). This variant has not been reported in the literature in individuals affected with ADA2-related conditions. ClinVar contains an entry for this variant (Variation ID: 578206). Algorithms developed to predict the effect of missense changes on protein structure and function are either unavailable or do not agree on the potential impact of this missense change (SIFT: "Deleterious"; PolyPhen-2: "Benign"; Align-GVGD: "Class C0"). In summary, the available evidence is currently insufficient to determine the role of this variant in disease. Therefore, it has been classified as a Variant of Uncertain Significance.

NM_001282225.2(ADA2):c.359C>T (p.Thr120Ile)

Gene: ADA2 (adenosine deaminase 2; minus strand). Cytogenetic location: 22q11.1.
Variant type: single nucleotide variant.
Coding change: c.359C>T on transcript NM_001282225.2 (MANE Select); coding-DNA position 359, C replaced by T.
Protein change: p.Thr120Ile; replaces threonine 120 with isoleucine.
Molecular consequence: missense variant. On other transcripts: 5 prime UTR variant (1).
Genome position (GRCh38, 1-based): chr22:17,207,254, G>A on the plus strand (C>T on the coding strand, the complement: ADA2 is on the minus strand). VCF-style: chr22-17207254-G-A. GRCh37 (hg19) VCF-style: chr22-17688144-G-A.
Other names: c.359C>T, p.Thr120Ile (NM_001282226.2); c.233C>T, p.Thr78Ile (NM_001282227.2, NM_001282228.2); c.-2C>T (NM_001282229.2); short protein forms T120I, T78I.
Identifiers: ClinVar variation 578206 (VCV000578206.23), dbSNP rs755786336, ClinGen allele CA10088256.